The following is an entry in ClinVar:

ClinVar aggregate classification (germline): Uncertain significance. Review status: criteria provided, multiple submitters, no conflicts (2 of 4 stars). 3 submissions from 3 submitters: Uncertain significance (3). Last evaluated 2025-10-23.

Conditions:
Hereditary nonpolyposis colorectal neoplasms. Identifiers: MedGen C0009405, MeSH D003123.
Hereditary cancer-predisposing syndrome. Also called: Hereditary Cancer Syndrome; Neoplastic Syndromes, Hereditary; Tumor predisposition; Hereditary neoplastic syndrome. Identifiers: Orphanet 140162, MedGen C0027672, MeSH D009386, MONDO:0015356.

Submissions (3):

Labcorp Genetics (formerly Invitae), Labcorp
Classification: Uncertain significance for Hereditary nonpolyposis colorectal neoplasms. Last evaluated: 2025-10-23. Review status: criteria provided, single submitter. Criteria: Invitae Variant Classification Sherloc (09022015). Collection method: clinical testing. Allele origin: germline.
Comment: This sequence change replaces asparagine, which is neutral and polar, with aspartic acid, which is acidic and polar, at codon 204 of the PMS2 protein (p.Asn204Asp). Information on the frequency of this variant in the gnomAD database is not available, as this variant may be reported differently in the database. This variant has not been reported in the literature in individuals affected with PMS2-related conditions. ClinVar contains an entry for this variant (Variation ID: 480342). Experimental studies and prediction algorithms are not available or were not evaluated, and the functional significance of this variant is currently unknown. In summary, the available evidence is currently insufficient to determine the role of this variant in disease. Therefore, it has been classified as a Variant of Uncertain Significance.

Color Diagnostics, LLC DBA Color Health
Classification: Uncertain significance for Hereditary cancer-predisposing syndrome. Last evaluated: 2025-07-30. Review status: criteria provided, single submitter. Criteria: ACMG Guidelines, 2015. Collection method: clinical testing. Allele origin: germline.
Comment: This missense variant replaces asparagine with aspartic acid at codon 204 of the PMS2 protein. Computational prediction suggests that this variant may not impact protein structure and function. To our knowledge, functional studies have not been reported for this variant. This variant has not been reported in individuals affected with PMS2-related disorders in the literature. This variant has not been identified in the general population by the Genome Aggregation Database (gnomAD). The available evidence is insufficient to determine the role of this variant in disease conclusively. Therefore, this variant is classified as a Variant of Uncertain Significance.

Ambry Genetics
Classification: Uncertain significance for Hereditary cancer-predisposing syndrome. Last evaluated: 2025-06-20. Review status: criteria provided, single submitter. Criteria: Ambry Variant Classification Scheme 2023. Collection method: clinical testing. Allele origin: germline.
Comment: The c.609_610delCAinsGG variant (also known as p.N204D), located in coding exon 6 of the PMS2 gene, results from an in-frame deletion of CA and insertion of GG at nucleotide positions 609 to 610. This results in the substitution of the asparagine residue for an aspartic acid residue at codon 204, an amino acid with highly similar properties. This amino acid position is highly conserved in available vertebrate species. In addition, the in silico prediction for this alteration is inconclusive (Choi Y et al. PLoS ONE. 2012; 7(10):e46688). Based on the available evidence, the clinical significance of this variant remains unclear.

NM_000535.7(PMS2):c.609_610delinsGG (p.Asn204Asp)

Gene: PMS2 (PMS1 homolog 2, mismatch repair system component; minus strand). Cytogenetic location: 7p22.1.
Variant type: Indel.
Coding change: c.609_610delinsGG on transcript NM_000535.7 (MANE Select); coding-DNA positions 609 to 610, CA replaced by GG.
Protein change: p.Asn204Asp; replaces asparagine 204 with aspartic acid.
Molecular consequence: missense variant. On other transcripts: intron variant (1), 5 prime UTR variant (2), non-coding transcript variant (1).
Genome position (GRCh38, 1-based): chr7:5,999,203-5,999,204, TG replaced by CC on the plus strand (CA replaced by GG on the coding strand, the reverse complement: PMS2 is on the minus strand). VCF-style: chr7-5999203-TG-CC. GRCh37 (hg19) VCF-style: chr7-6038834-TG-CC.
Other names: c.133-1781_133-1780delinsGG (NM_001322013.2); c.204_205delinsGG, p.Asn69Asp (NM_001322003.2, NM_001322004.2, NM_001322005.2 and 2 more transcripts); c.609_610delinsGG, p.Asn204Asp (NM_001322006.2, NM_001322014.2); c.291_292delinsGG, p.Asn98Asp (NM_001322007.2, NM_001322008.2); c.-325_-324delinsGG (NM_001322011.2, NM_001322012.2); c.300_301delinsGG, p.Asn101Asp (NM_001322015.2); short protein forms N101D, N204D, N69D, N98D.
Identifiers: ClinVar variation 480342 (VCV000480342.12), dbSNP rs1554302457, ClinGen allele CA658657649.